The following is an entry in ClinVar:

NM_004621.6(TRPC6):c.1293+93C>T

Gene: TRPC6 (transient receptor potential cation channel subfamily C member 6; minus strand). Cytogenetic location: 11q22.1.
Variant type: single nucleotide variant.
Coding change: c.1293+93C>T on transcript NM_004621.6 (MANE Select); 93 bases into the intron after coding-DNA position 1293, C replaced by T.
Molecular consequence: intron variant.
Genome position (GRCh38, 1-based): chr11:101,488,844, G>A on the plus strand (C>T on the coding strand, the complement: TRPC6 is on the minus strand). VCF-style: chr11-101488844-G-A. GRCh37 (hg19) VCF-style: chr11-101359575-G-A.
Identifiers: ClinVar variation 1683858 (VCV001683858.3), dbSNP rs144387051, ClinGen allele CA227523257.

ClinVar aggregate classification (germline): Likely benign. Review status: criteria provided, multiple submitters, no conflicts (2 of 4 stars). 2 submissions from 2 submitters: Likely benign (2). Last evaluated 2021-05-23.

Allele frequency attached by ClinVar (database versions not stated): gnomAD 0.00543 and 0.00571; TOPMed 0.00583; 1000 Genomes Project 0.00659; 1000 Genomes Project 30x 0.00796.
gnomAD v4.1: 1,500 of 1,416,764 alleles (0.11%); highest among the groups gnomAD compares: African/African-American, 1.9%; 13 homozygotes.

Submissions (2):

GeneDx
Classification: Likely benign. Last evaluated: 2021-05-23. Review status: criteria provided, single submitter. Criteria: GeneDx Variant Classification Process June 2021. Collection method: clinical testing. Allele origin: germline. Affected: yes.
Comment: See Variant Classification Assertion Criteria.

Breakthrough Genomics
Classification: Likely benign. Review status: criteria provided, single submitter. Criteria: ACMG Guidelines, 2015. Collection method: not provided. Allele origin: germline. Inheritance: Autosomal dominant inheritance. Affected: yes.